The following is an entry in ClinVar:

ClinVar aggregate classification (germline): Benign (0 of 4 stars; one submission).

Conditions:
NCOR2-related disorder. Also called: NCOR2-related condition.

Allele frequency attached by ClinVar (database versions not stated): gnomAD 0.00394; TOPMed 0.00418; ESP Exome Variant Server 0.00522; 1000 Genomes Project 0.00539; 1000 Genomes Project 30x 0.00609.
gnomAD v4.1: 1,145 of 1,611,968 alleles (0.071%); highest among the groups gnomAD compares: African/African-American, 1.4%; 7 homozygotes.

Submission:

PreventionGenetics, part of Exact Sciences
Classification: Benign for NCOR2-related condition. Last evaluated: 2019-07-16. Review status: no assertion criteria provided. Collection method: clinical testing. Allele origin: germline.
Comment: This variant is classified as benign based on ACMG/AMP sequence variant interpretation guidelines (Richards et al. 2015 PMID: 25741868, with internal and published modifications).

NM_006312.6(NCOR2):c.6011C>T (p.Ala2004Val)

Gene: NCOR2 (nuclear receptor corepressor 2; minus strand). Cytogenetic location: 12q24.31.
Variant type: single nucleotide variant.
Coding change: c.6011C>T on transcript NM_006312.6 (MANE Select); coding-DNA position 6011, C replaced by T.
Protein change: p.Ala2004Val; replaces alanine 2004 with valine.
Molecular consequence: missense variant.
Genome position (GRCh38, 1-based): chr12:124,336,857, G>A on the plus strand (C>T on the coding strand, the complement: NCOR2 is on the minus strand). VCF-style: chr12-124336857-G-A. GRCh37 (hg19) VCF-style: chr12-124821403-G-A.
Other names: c.5981C>T, p.Ala1994Val (NM_001077261.4, NM_001206654.2); short protein forms A1994V, A2004V.
Identifiers: ClinVar variation 3049665 (VCV003049665.2), dbSNP rs115287138, ClinGen allele CA6867682.